The following is an entry in ClinVar:

NM_004260.4(RECQL4):c.2116T>A (p.Tyr706Asn)

Gene: RECQL4 (RecQ like helicase 4; minus strand). Cytogenetic location: 8q24.3.
Variant type: single nucleotide variant.
Coding change: c.2116T>A on transcript NM_004260.4 (MANE Select); coding-DNA position 2116, T replaced by A.
Protein change: p.Tyr706Asn; replaces tyrosine 706 with asparagine.
Molecular consequence: missense variant.
Genome position (GRCh38, 1-based): chr8:144,513,655, A>T on the plus strand (T>A on the coding strand, the complement: RECQL4 is on the minus strand). VCF-style: chr8-144513655-A-T. GRCh37 (hg19) VCF-style: chr8-145739039-A-T.
Other names: short protein forms Y706N.
Identifiers: ClinVar variation 1003811 (VCV001003811.3), dbSNP rs1827677165, ClinGen allele CA372679884.
Genomic context (GRCh38, chr8:144,513,655, plus strand): 5'-CGTGCAGGCAGGTTCGGAGGAGCGCAGCGATCCGCTCTGTGTCCTCGCGCCGGTTGCAGT[A>T]AATGATAATGGAATCGAGGTTTTGAAAACGTTTGCCTTGCAGCAGCGTCAACAGTGCCTG-3'
Protein context (NP_004251.4, residues 696-716): RFQNLDSIII[Tyr706Asn]CNRREDTERI

ClinVar aggregate classification (germline): Uncertain significance (1 of 4 stars; one submission).

Conditions:
Baller-Gerold syndrome (BGS). Also called: CRANIOSYNOSTOSIS WITH RADIAL DEFECTS. Identifiers: Orphanet 1225, MedGen C0265308, MONDO:0009039, OMIM 218600.

Submission:

Labcorp Genetics (formerly Invitae), Labcorp
Classification: Uncertain significance for Baller-Gerold syndrome. Last evaluated: 2020-02-20. Review status: criteria provided, single submitter. Criteria: Invitae Variant Classification Sherloc (09022015). Collection method: clinical testing. Allele origin: germline.
Comment: This variant is not present in population databases (ExAC no frequency). This variant has not been reported in the literature in individuals with RECQL4-related conditions. Experimental studies and prediction algorithms are not available or were not evaluated, and the functional significance of this variant is currently unknown. In summary, the available evidence is currently insufficient to determine the role of this variant in disease. Therefore, it has been classified as a Variant of Uncertain Significance. This sequence change replaces tyrosine with asparagine at codon 706 of the RECQL4 protein (p.Tyr706Asn). The tyrosine residue is highly conserved and there is a large physicochemical difference between tyrosine and asparagine.